The following is an entry in ClinVar:

ClinVar aggregate classification (germline): Uncertain significance (1 of 4 stars; one submission).

Conditions:
Rhabdoid tumor predisposition syndrome 2 (RTPS2). Identifiers: Orphanet 231108, Orphanet 69077, MedGen C2750074, MONDO:0013224, OMIM 613325.

Submission:

Labcorp Genetics (formerly Invitae), Labcorp
Classification: Uncertain significance for Rhabdoid tumor predisposition syndrome 2. Last evaluated: 2024-02-02. Review status: criteria provided, single submitter. Criteria: Invitae Variant Classification Sherloc (09022015). Collection method: clinical testing. Allele origin: germline.
Comment: This sequence change replaces glycine, which is neutral and non-polar, with serine, which is neutral and polar, at codon 33 of the SMARCA4 protein (p.Gly33Ser). This variant is not present in population databases (gnomAD no frequency). This variant has not been reported in the literature in individuals affected with SMARCA4-related conditions. Advanced modeling of protein sequence and biophysical properties (such as structural, functional, and spatial information, amino acid conservation, physicochemical variation, residue mobility, and thermodynamic stability) has been performed at Invitae for this missense variant, however the output from this modeling did not meet the statistical confidence thresholds required to predict the impact of this variant on SMARCA4 protein function. In summary, the available evidence is currently insufficient to determine the role of this variant in disease. Therefore, it has been classified as a Variant of Uncertain Significance.

NM_003072.5(SMARCA4):c.97G>A (p.Gly33Ser)

Gene: SMARCA4 (SWI/SNF related BAF chromatin remodeling complex subunit ATPase 4; plus strand). Cytogenetic location: 19p13.2.
Variant type: single nucleotide variant.
Coding change: c.97G>A on transcript NM_003072.5 (MANE Select); coding-DNA position 97, G replaced by A.
Protein change: p.Gly33Ser; replaces glycine 33 with serine.
Molecular consequence: missense variant. On other transcripts: non-coding transcript variant (1).
Genome position (GRCh38, 1-based): chr19:10,984,248, G>A. VCF-style: chr19-10984248-G-A. GRCh37 (hg19) VCF-style: chr19-11094924-G-A.
Other names: c.97G>A, p.Gly33Ser (NM_001128844.3, NM_001128845.2, NM_001128846.2 and 6 more transcripts); short protein forms G33S.
Identifiers: ClinVar variation 3636818 (VCV003636818.2).